The following is an entry in ClinVar:

NM_004168.4(SDHA):c.668A>G (p.Asp223Gly)

Gene: SDHA (succinate dehydrogenase complex flavoprotein subunit A; plus strand). Cytogenetic location: 5p15.33.
Variant type: single nucleotide variant.
Coding change: c.668A>G on transcript NM_004168.4 (MANE Select); coding-DNA position 668, A replaced by G.
Protein change: p.Asp223Gly; replaces aspartic acid 223 with glycine.
Molecular consequence: missense variant.
Genome position (GRCh38, 1-based): chr5:228,231, A>G. VCF-style: chr5-228231-A-G. GRCh37 (hg19) VCF-style: chr5-228346-A-G.
Other names: c.524A>G, p.Asp175Gly (NM_001294332.2); c.668A>G, p.Asp223Gly (NM_001330758.2); short protein forms D175G, D223G.
Identifiers: ClinVar variation 3438664 (VCV003438664.2).
Genomic context (GRCh38, chr5:228,231, plus strand): 5'-TTCCTTTCTTTTAGTCTCTGCGATATGATACCAGCTATTTTGTGGAGTATTTTGCCTTGG[A>G]TCTCCTGATGGAGAATGGGGAGTGCCGTGGTGTCATCGCACTGTGCATAGAGGACGGGTC-3'
Protein context (NP_004159.2, residues 213-233): TSYFVEYFAL[Asp223Gly]LLMENGECRG

ClinVar aggregate classification (germline): Uncertain significance (1 of 4 stars; one submission).

Conditions:
Hereditary cancer-predisposing syndrome. Also called: Tumor predisposition; Hereditary Cancer Syndrome; Hereditary neoplastic syndrome; Neoplastic Syndromes, Hereditary. Identifiers: Orphanet 140162, MedGen C0027672, MeSH D009386, MONDO:0015356.

Submission:

Ambry Genetics
Classification: Uncertain significance for Hereditary cancer-predisposing syndrome. Last evaluated: 2026-06-16. Review status: criteria provided, single submitter. Criteria: Ambry Variant Classification Scheme 2023. Collection method: clinical testing. Allele origin: germline.
Comment: The p.D223G variant (also known as c.668A>G), located in coding exon 6 of the SDHA gene, results from an A to G substitution at nucleotide position 668. The aspartic acid at codon 223 is replaced by glycine, an amino acid with similar properties. This amino acid position is highly conserved in available vertebrate species. In addition, this alteration is predicted to be deleterious by in silico analysis. Based on the available evidence, the clinical significance of this variant remains unclear.